The following is an entry in ClinVar:

NM_001376.5(DYNC1H1):c.11141A>G (p.Asn3714Ser)

Gene: DYNC1H1 (dynein cytoplasmic 1 heavy chain 1; plus strand). Cytogenetic location: 14q32.31.
Variant type: single nucleotide variant.
Coding change: c.11141A>G on transcript NM_001376.5 (MANE Select); coding-DNA position 11141, A replaced by G.
Protein change: p.Asn3714Ser; replaces asparagine 3714 with serine.
Molecular consequence: missense variant.
Genome position (GRCh38, 1-based): chr14:102,038,783, A>G. VCF-style: chr14-102038783-A-G. GRCh37 (hg19) VCF-style: chr14-102505120-A-G.
Other names: short protein forms N3714S.
Identifiers: ClinVar variation 3636177 (VCV003636177.2).

ClinVar aggregate classification (germline): Uncertain significance (1 of 4 stars; one submission).

Conditions:
Charcot-Marie-Tooth disease axonal type 2O. Also called: Charcot-Marie-Tooth disease, axonal, type 20; CHARCOT-MARIE-TOOTH NEUROPATHY, AXONAL, TYPE 2O; CHARCOT-MARIE-TOOTH DISEASE, AXONAL, AUTOSOMAL DOMINANT, TYPE 2O; Charcot-Marie-Tooth Neuropathy Type 2O. Identifiers: Orphanet 284232, MedGen C3280220, MONDO:0013644, OMIM 614228.

Submission:

Labcorp Genetics (formerly Invitae), Labcorp
Classification: Uncertain significance for Charcot-Marie-Tooth disease axonal type 2O. Last evaluated: 2024-09-30. Review status: criteria provided, single submitter. Criteria: Invitae Variant Classification Sherloc (09022015). Collection method: clinical testing. Allele origin: germline.
Comment: This sequence change replaces asparagine, which is neutral and polar, with serine, which is neutral and polar, at codon 3714 of the DYNC1H1 protein (p.Asn3714Ser). This variant is not present in population databases (gnomAD no frequency). This variant has not been reported in the literature in individuals affected with DYNC1H1-related conditions. Invitae Evidence Modeling of protein sequence and biophysical properties (such as structural, functional, and spatial information, amino acid conservation, physicochemical variation, residue mobility, and thermodynamic stability) indicates that this missense variant is not expected to disrupt DYNC1H1 protein function with a negative predictive value of 95%. In summary, the available evidence is currently insufficient to determine the role of this variant in disease. Therefore, it has been classified as a Variant of Uncertain Significance.